The following is an entry in ClinVar:

ClinVar aggregate classification (germline): Uncertain significance. Review status: criteria provided, multiple submitters, no conflicts (2 of 4 stars). 3 submissions from 3 submitters: Uncertain significance (3). Last evaluated 2025-11-04.

Conditions:
Dyskeratosis congenita. Identifiers: Orphanet 1775, MedGen C0265965, MONDO:0015780.
Idiopathic Pulmonary Fibrosis. Also called: Idiopathic fibrosing alveolitis, chronic form; idiopathic fibrosing alveolitis. Identifiers: Orphanet 2032, MedGen C1800706, MeSH D054990, MONDO:0800504.
Dyskeratosis congenita, autosomal dominant 2. Identifiers: MedGen C3151443, MONDO:0013521, OMIM 613989.

Submissions (3):

Dasa
Classification: Uncertain significance. Last evaluated: 2025-11-04. Review status: criteria provided, single submitter. Criteria: DASA Assertion Criteria. Collection method: clinical testing. Allele origin: germline.
Comment: NM_198253.3(TERT):c.1663G>C (p.Glu555Gln) is a missense variant that results in the substitution of glutamic acid with glutamine. This variant is absent from population databases. The currently available literature and clinical evidence are not sufficient to establish a definitive association between this variant and the reported condition. Therefore, this variant is classified as a variant of uncertain significance.

Labcorp Genetics (formerly Invitae), Labcorp
Classification: Uncertain significance for Dyskeratosis congenita, autosomal dominant 2; Idiopathic Pulmonary Fibrosis. Last evaluated: 2025-05-14. Review status: criteria provided, single submitter. Criteria: Invitae Variant Classification Sherloc (09022015). Collection method: clinical testing. Allele origin: germline.
Comment: This sequence change replaces glutamic acid, which is acidic and polar, with glutamine, which is neutral and polar, at codon 555 of the TERT protein (p.Glu555Gln). This variant is not present in population databases (gnomAD no frequency). This variant has not been reported in the literature in individuals affected with TERT-related conditions. ClinVar contains an entry for this variant (Variation ID: 471827). An algorithm developed to predict the effect of missense changes on protein structure and function outputs the following: PolyPhen-2: "Benign". The glutamine amino acid residue is found in multiple mammalian species, which suggests that this missense change does not adversely affect protein function. In summary, the available evidence is currently insufficient to determine the role of this variant in disease. Therefore, it has been classified as a Variant of Uncertain Significance.

Ambry Genetics
Classification: Uncertain significance for Dyskeratosis congenita. Last evaluated: 2022-02-23. Review status: criteria provided, single submitter. Criteria: Ambry Variant Classification Scheme 2023. Collection method: clinical testing. Allele origin: germline.
Comment: The p.E555Q variant (also known as c.1663G>C), located in coding exon 3 of the TERT gene, results from a G to C substitution at nucleotide position 1663. The glutamic acid at codon 555 is replaced by glutamine, an amino acid with highly similar properties. This amino acid position is conserved. In addition, this alteration is predicted to be tolerated by in silico analysis. Since supporting evidence is limited at this time, the clinical significance of this alteration remains unclear.

NM_198253.3(TERT):c.1663G>C (p.Glu555Gln)

Gene: TERT (telomerase reverse transcriptase; minus strand). Cytogenetic location: 5p15.33.
Variant type: single nucleotide variant.
Coding change: c.1663G>C on transcript NM_198253.3 (MANE Select); coding-DNA position 1663, G replaced by C.
Protein change: p.Glu555Gln; replaces glutamic acid 555 with glutamine.
Molecular consequence: missense variant. On other transcripts: non-coding transcript variant (2).
Genome position (GRCh38, 1-based): chr5:1,282,535, C>G on the plus strand (G>C on the coding strand, the complement: TERT is on the minus strand). VCF-style: chr5-1282535-C-G. GRCh37 (hg19) VCF-style: chr5-1282650-C-G.
Other names: c.1663G>C, p.Glu555Gln (NM_001193376.3); short protein forms E555Q.
Identifiers: ClinVar variation 471827 (VCV000471827.15), dbSNP rs1413965241, ClinGen allele CA359083160.
Genomic context (GRCh38, chr5:1,282,535, plus strand): 5'-AAAAGAGCCTGTTCTTTTGAAACGTGGTCTCCGTGACATAAAAGAAAGACCTGAGCAGCT[C>G]GACGACGTACACACTCATCAGCCAGTGCAGGAACTTGGCCAGGATCTCCTCACGCAGACG-3'
Protein context (NP_937983.2, residues 545-565): LHWLMSVYVV[Glu555Gln]LLRSFFYVTE